The following is an entry in ClinVar:

NM_003331.5(TYK2):c.446T>C (p.Phe149Ser)

Gene: TYK2 (tyrosine kinase 2; minus strand). Cytogenetic location: 19p13.2.
Variant type: single nucleotide variant.
Coding change: c.446T>C on transcript NM_003331.5 (MANE Select); coding-DNA position 446, T replaced by C.
Protein change: p.Phe149Ser; replaces phenylalanine 149 with serine.
Molecular consequence: missense variant.
Genome position (GRCh38, 1-based): chr19:10,368,074, A>G on the plus strand (T>C on the coding strand, the complement: TYK2 is on the minus strand). VCF-style: chr19-10368074-A-G. GRCh37 (hg19) VCF-style: chr19-10478750-A-G.
Other names: p.Phe149Ser; c.446T>C, p.Phe149Ser (NM_001385197.1, NM_001385198.1, NM_001385199.1 and 9 more transcripts); short protein forms F149S.
Identifiers: ClinVar variation 3380578 (VCV003380578.1).

ClinVar aggregate classification (germline): Uncertain significance (1 of 4 stars; one submission).

gnomAD v4.1: 2 of 1,614,136 alleles (0.00012%); highest among the groups gnomAD compares: Non-Finnish European, 0.00017%; no homozygotes.

Submission:

Mayo Clinic Laboratories, Mayo Clinic
Classification: Uncertain significance. Last evaluated: 2024-05-14. Review status: criteria provided, single submitter. Criteria: ACMG Guidelines, 2015. Collection method: clinical testing. Allele origin: germline. Observed: 1 variant allele.
Comment: PM2